The following is an entry in ClinVar:

NM_006277.3(ITSN2):c.3305G>A (p.Arg1102Gln)

Gene: ITSN2 (intersectin 2; minus strand). Cytogenetic location: 2p23.3.
Variant type: single nucleotide variant.
Coding change: c.3305G>A on transcript NM_006277.3 (MANE Select); coding-DNA position 3305, G replaced by A.
Protein change: p.Arg1102Gln; replaces arginine 1102 with glutamine.
Molecular consequence: missense variant.
Genome position (GRCh38, 1-based): chr2:24,246,877, C>T on the plus strand (G>A on the coding strand, the complement: ITSN2 is on the minus strand). VCF-style: chr2-24246877-C-T. GRCh37 (hg19) VCF-style: chr2-24469746-C-T.
Other names: c.3263G>A, p.Arg1088Gln (NM_001348181.2); c.3185G>A, p.Arg1062Gln (NM_001348182.2, NM_001348186.2); c.3224G>A, p.Arg1075Gln (NM_001348183.2, NM_019595.4); c.3182G>A, p.Arg1061Gln (NM_001348184.2); c.3266G>A, p.Arg1089Gln (NM_001348185.2); c.3305G>A, p.Arg1102Gln (NM_147152.3); short protein forms R1075Q, R1088Q, R1089Q, R1061Q, R1062Q, R1102Q.
Identifiers: ClinVar variation 1980452 (VCV001980452.4), dbSNP rs755592783, ClinGen allele CA1550934.

ClinVar aggregate classification (germline): Uncertain significance (1 of 4 stars; one submission).

Allele frequency attached by ClinVar (database versions not stated): gnomAD 0.00001; gnomAD exomes 0.00001; TOPMed 0.00001; ExAC 0.00002.
gnomAD v4.1: 17 of 1,611,488 alleles (0.0011%); highest among the groups gnomAD compares: South Asian, 0.0033%; no homozygotes.

Submission:

Labcorp Genetics (formerly Invitae), Labcorp
Classification: Uncertain significance. Last evaluated: 2022-06-24. Review status: criteria provided, single submitter. Criteria: Invitae Variant Classification Sherloc (09022015). Collection method: clinical testing. Allele origin: germline.
Comment: In summary, the available evidence is currently insufficient to determine the role of this variant in disease. Therefore, it has been classified as a Variant of Uncertain Significance. Algorithms developed to predict the effect of missense changes on protein structure and function are either unavailable or do not agree on the potential impact of this missense change (SIFT: "Deleterious"; PolyPhen-2: "Not Available"; Align-GVGD: "Class C0"). This variant has not been reported in the literature in individuals affected with ITSN2-related conditions. This variant is present in population databases (rs755592783, gnomAD 0.007%). This sequence change replaces arginine, which is basic and polar, with glutamine, which is neutral and polar, at codon 1102 of the ITSN2 protein (p.Arg1102Gln).